The following is an entry in ClinVar:

NM_004064.5(CDKN1B):c.514G>T (p.Glu172Ter)

Gene: CDKN1B (cyclin dependent kinase inhibitor 1B; plus strand). Cytogenetic location: 12p13.1.
Variant type: single nucleotide variant.
Coding change: c.514G>T on transcript NM_004064.5 (MANE Select); coding-DNA position 514, G replaced by T.
Protein change: p.Glu172Ter; replaces glutamic acid 172 with a stop codon.
Molecular consequence: nonsense.
Genome position (GRCh38, 1-based): chr12:12,718,863, G>T. VCF-style: chr12-12718863-G-T. GRCh37 (hg19) VCF-style: chr12-12871797-G-T.
Other names: short protein forms E172*.
Identifiers: ClinVar variation 3223681 (VCV003223681.1), dbSNP rs1260635377, ClinGen allele CA383972857.

ClinVar aggregate classification (germline): Pathogenic (1 of 4 stars; one submission).

Conditions:
Hereditary cancer-predisposing syndrome. Also called: Tumor predisposition; Hereditary neoplastic syndrome; Hereditary Cancer Syndrome; Neoplastic Syndromes, Hereditary. Identifiers: Orphanet 140162, MedGen C0027672, MeSH D009386, MONDO:0015356.

Submission:

Ambry Genetics
Classification: Pathogenic for Hereditary cancer-predisposing syndrome. Last evaluated: 2023-09-21. Review status: criteria provided, single submitter. Criteria: Ambry Variant Classification Scheme 2023. Collection method: clinical testing. Allele origin: germline.
Comment: The p.E172* pathogenic mutation (also known as c.514G>T), located in coding exon 2 of the CDKN1B gene, results from a G to T substitution at nucleotide position 514. This changes the amino acid from a glutamic acid to a stop codon within coding exon 2. This alteration is expected to result in loss of function by premature protein truncation or nonsense-mediated mRNA decay. As such, this alteration is interpreted as a disease-causing mutation.